The following is an entry in ClinVar:

NM_023110.3(FGFR1):c.1655C>G (p.Thr552Arg)

Gene: FGFR1 (fibroblast growth factor receptor 1; minus strand). Cytogenetic location: 8p11.23.
Variant type: single nucleotide variant.
Coding change: c.1655C>G on transcript NM_023110.3 (MANE Select); coding-DNA position 1655, C replaced by G.
Protein change: p.Thr552Arg; replaces threonine 552 with arginine.
Molecular consequence: missense variant.
Genome position (GRCh38, 1-based): chr8:38,417,314, G>C on the plus strand (C>G on the coding strand, the complement: FGFR1 is on the minus strand). VCF-style: chr8-38417314-G-C. GRCh37 (hg19) VCF-style: chr8-38274832-G-C.
Other names: c.1649C>G, p.Thr550Arg (NM_001174063.2, NM_001174065.2, NM_001354367.2 and 1 more transcripts); c.1625C>G, p.Thr542Arg (NM_001174064.2); c.1388C>G, p.Thr463Arg (NM_001174066.2, NM_023105.3); c.1748C>G, p.Thr583Arg (NM_001174067.2); c.1376C>G, p.Thr459Arg (NM_001354368.2); c.1643C>G, p.Thr548Arg (NM_001354369.2); c.1382C>G, p.Thr461Arg (NM_001354370.2, NM_023106.3); short protein forms T461R, T550R, T583R, T459R, T463R, T542R, T548R, T552R.
Identifiers: ClinVar variation 851020 (VCV000851020.6), dbSNP rs760702592, ClinGen allele CA370732008.

ClinVar aggregate classification (germline): Uncertain significance (1 of 4 stars; one submission).

Conditions:
Pfeiffer syndrome (ACS5). Also called: ACS V. Identifiers: Orphanet 710, MedGen C0220658, MONDO:0007043, OMIM 101600.
Hypogonadotropic hypogonadism 2 with or without anosmia (HH2). Also called: HYPOGONADOTROPIC HYPOGONADISM 2 WITHOUT ANOSMIA; HYPOGONADOTROPIC HYPOGONADISM 2 WITH OR WITHOUT ANOSMIA, SUSCEPTIBILITY TO; HYPOGONADOTROPIC HYPOGONADISM 2 WITHOUT ANOSMIA, SUSCEPTIBILITY TO; FGFR1-Related GnRH Deficiency (Kallmann Syndrome 2). Identifiers: Orphanet 478, MedGen C1563720, MONDO:0007844, OMIM 147950. Disease mechanism: loss of function.

gnomAD v4.1: 3 of 1,612,484 alleles (0.00019%); highest among the groups gnomAD compares: Admixed American, 0.0017%; no homozygotes.

Submission:

Labcorp Genetics (formerly Invitae), Labcorp
Classification: Uncertain significance for Pfeiffer syndrome; Hypogonadotropic hypogonadism 2 with or without anosmia. Last evaluated: 2019-02-14. Review status: criteria provided, single submitter. Criteria: Invitae Variant Classification Sherloc (09022015). Collection method: clinical testing. Allele origin: germline.
Comment: In summary, the available evidence is currently insufficient to determine the role of this variant in disease. Therefore, it has been classified as a Variant of Uncertain Significance. Algorithms developed to predict the effect of sequence changes on RNA splicing suggest that this variant may create or strengthen a splice site, but this prediction has not been confirmed by published transcriptional studies. Algorithms developed to predict the effect of missense changes on protein structure and function are either unavailable or do not agree on the potential impact of this missense change (SIFT: "Deleterious"; PolyPhen-2: "Probably Damaging"; Align-GVGD: "Class C15"). This variant has not been reported in the literature in individuals with FGFR1-related conditions. This variant is not present in population databases (ExAC no frequency). This sequence change replaces threonine with arginine at codon 552 of the FGFR1 protein (p.Thr552Arg). The threonine residue is highly conserved and there is a moderate physicochemical difference between threonine and arginine.